The following is an entry in ClinVar:

NM_153676.4(USH1C):c.311G>A (p.Gly104Asp)

Gene: USH1C (USH1 protein network component harmonin; minus strand). Cytogenetic location: 11p15.1.
Variant type: single nucleotide variant.
Coding change: c.311G>A on transcript NM_153676.4 (MANE Select); coding-DNA position 311, G replaced by A.
Protein change: p.Gly104Asp; replaces glycine 104 with aspartic acid.
Molecular consequence: missense variant. On other transcripts: non-coding transcript variant (1).
Genome position (GRCh38, 1-based): chr11:17,531,230, C>T on the plus strand (G>A on the coding strand, the complement: USH1C is on the minus strand). VCF-style: chr11-17531230-C-T. GRCh37 (hg19) VCF-style: chr11-17552777-C-T.
Other names: c.311G>A, p.Gly104Asp (NM_001297764.2, NM_005709.4); c.311G>A (NM_153676.3); short protein forms G104D.
Identifiers: ClinVar variation 554093 (VCV000554093.13), dbSNP rs1317951509, ClinGen allele CA379797120.

ClinVar aggregate classification (germline): Likely pathogenic. Review status: criteria provided, multiple submitters, no conflicts (2 of 4 stars). 8 submissions from 7 submitters: Likely pathogenic (7). 1 of the submissions does not count toward it. Last evaluated 2025-05-13.

Conditions:
Autosomal recessive nonsyndromic hearing loss 18A. Also called: Deafness, autosomal recessive 18A; DEAFNESS, AUTOSOMAL RECESSIVE 18. Identifiers: Orphanet 90636, MedGen C1865870, MONDO:0011192, OMIM 602092.
Usher syndrome type 1C. Also called: USHER SYNDROME, TYPE I, ACADIAN VARIETY. Identifiers: Orphanet 231169, Orphanet 886, MedGen C1848604, MONDO:0010171, OMIM 276904.
Usher syndrome type 1 (USH1). Also called: RETINITIS PIGMENTOSA AND CONGENITAL DEAFNESS. Identifiers: Orphanet 231169, Orphanet 886, MedGen C1568247, MONDO:0010168, OMIM 276900.

Allele frequency attached by ClinVar (database versions not stated): TOPMed below 0.00001; gnomAD 0.00001.

Submissions (8):

Natera, Inc.
Classification: Likely pathogenic for Usher syndrome type 1C. Last evaluated: 2025-05-13. Review status: criteria provided, single submitter. Criteria: Natera Variant Classification Schema (03/2026). Collection method: clinical testing. Allele origin: germline.
Comment: The c.311G>A variant in USH1C is a missense variant predicted to cause substitution of glycine to aspartic acid at amino acid 104. This variant is rare in the general population with a frequency below the threshold expected for the associated phenotype(s). This variant has been observed in one or more individuals affected with the associated recessive disease, as either homozygous or compound heterozygous with a second variant (PMID: 25356976, 33095980, 24498627). This variant has been identified in one or more affected individuals with a phenotype highly consistent with the associated gene (PMID:33095980). Computational prediction algorithms indicate this variant is likely to affect gene or protein function. Given the available evidence, this variant is classified as Likely Pathogenic.

Myriad Genetics, Inc.
Classification: Likely pathogenic for Usher syndrome type 1C. Last evaluated: 2025-03-12. Review status: criteria provided, single submitter. Criteria: Myriad Autosomal Dominant, Autosomal Recessive and X-Linked Classification Criteria (2023). Collection method: clinical testing. Allele origin: unknown.
Comment: NM_005709.3(USH1C):c.311G>A(G104D) is a missense variant classified as likely pathogenic in the context of USH1C-related disorders. G104D has been observed in cases with relevant disease (PMID: 24498627, 25356976, 33095980). Relevant functional assessments of this variant are not available in the literature. G104D has not been observed in referenced population frequency databases. In summary, NM_005709.3(USH1C):c.311G>A(G104D) is a missense variant that has been observed more frequently in cases with the relevant disease than in healthy populations. Please note: this variant was assessed in the context of healthy population screening.

Baylor Genetics
Classification: Likely pathogenic for Autosomal recessive nonsyndromic hearing loss 18A. Last evaluated: 2024-03-10. Review status: criteria provided, single submitter. Criteria: ACMG Guidelines, 2015. Collection method: clinical testing. Allele origin: unknown.

Labcorp Genetics (formerly Invitae), Labcorp
Classification: Likely pathogenic. Last evaluated: 2024-02-12. Review status: criteria provided, single submitter. Criteria: Invitae Variant Classification Sherloc (09022015). Collection method: clinical testing. Allele origin: germline.
Comment: This sequence change replaces glycine, which is neutral and non-polar, with aspartic acid, which is acidic and polar, at codon 104 of the USH1C protein (p.Gly104Asp). This variant is present in population databases (no rsID available, gnomAD 0.06%). This missense change has been observed in individual(s) with Usher syndrome (PMID: 24498627, 25356976, 33095980). In at least one individual the data is consistent with being in trans (on the opposite chromosome) from a pathogenic variant. ClinVar contains an entry for this variant (Variation ID: 554093). An algorithm developed to predict the effect of missense changes on protein structure and function (PolyPhen-2) suggests that this variant is likely to be disruptive. In summary, the currently available evidence indicates that the variant is pathogenic, but additional data are needed to prove that conclusively. Therefore, this variant has been classified as Likely Pathogenic.

Victorian Clinical Genetics Services, Murdoch Childrens Research Institute
Classification: Likely pathogenic for Autosomal recessive nonsyndromic hearing loss 18A. Last evaluated: 2023-07-17. Review status: criteria provided, single submitter. Criteria: ACMG Guidelines, 2015. Collection method: clinical testing. Allele origin: germline. Inheritance: Autosomal recessive inheritance.
Comment: Based on the classification scheme VCGS_Germline_v1.3.4, this variant is classified as Likely Pathogenic. Following criteria are met: 0102 - Loss of function is a known mechanism of disease in this gene and is associated with autosomal recessive deafness 18A (MIM#602092) and Usher syndrome, type 1C (MIM#276904). Dominant negative is a suggested mechanism for rare autosomal dominant non-syndromic hearing loss (NSHL) (PMID: 31858762). (I) 0106 - This gene is associated with autosomal recessive disease. A single, large family with a heterozygous missense variant has been reported with autosomal dominant NSHL (PMID: 31858762). (I) 0200 - Variant is predicted to result in a missense amino acid change from glycine to aspartic acid. (I) 0251 - This variant is heterozygous. (I) 0304 - Variant is present in gnomAD (v2, v3) <0.01 for a recessive condition (1 heterozygote, 0 homozygotes). (SP) 0309 - An alternative amino acid change at the same position has been observed in gnomAD (v3) (2 heterozygotes, 0 homozygotes). (I) 0502 - Missense variant with conflicting in silico predictions and uninformative conservation. (I) 0600 - Variant is located in the annotated PDZ 1 domain (NCBI, UniProt). (I) 0710 - Another missense variant comparable to the one identified in this case has inconclusive previous evidence for pathogenicity. This variant has been classified as a VUS due to insufficient information (deafnessvariationdatabase). (I) 0808 - Previous reports of pathogenicity for this variant are conflicting. This variant has been classified as likely pathogenic, pathogenic, a VUS and likely benign (LOVD, ClinVar, deafnessvariationdatabase). However, it has also been observed in two unrelated compound heterozygous individuals, and a homozygous individual with Usher syndrome (PMID: 24498627, PMID: 25356976, PMID: 33095980). (I) 0905 - No published segregation evidence has been identified for this variant. (I) 1007 - No published functional evidence has been identified for this variant. (I) 1201 - Heterozygous variant detected in trans with a second likely pathogenic heterozygous variant (c.388-1G>A) in a recessive disease. (I) Legend: (SP) - Supporting pathogenic, (I) - Information, (SB) - Supporting benign

Baylor Genetics
Classification: Likely pathogenic for Usher syndrome type 1. Review status: criteria provided, single submitter. Criteria: ACMG Guidelines, 2015. Collection method: clinical testing. Allele origin: germline.

Juno Genomics, Hangzhou Juno Genomics, Inc
Classification: Likely pathogenic for Usher syndrome type 1C; Autosomal recessive nonsyndromic hearing loss 18A. Review status: criteria provided, single submitter. Criteria: ACMG Guidelines, 2015. Collection method: clinical testing. Allele origin: germline.
Comment: Absent from controls (or at extremely low frequency if recessive) in Genome Aggregation Database.;Multiple lines of computational evidence support a deleterious effect on the gene or gene product.;For recessive disorders, detected in trans with a pathogenic variant.;Patient's phenotype or family history is highly specific for a disease with a single genetic etiology.

Counsyl
Classification: Uncertain significance for Usher syndrome type 1C; Autosomal recessive nonsyndromic hearing loss 18A. Last evaluated: 2017-09-26. Review status: no assertion criteria provided. Collection method: clinical testing. Allele origin: unknown. Not counted in ClinVar's aggregate classification.

Literature cited by the submitters: PubMed 25356976 (cited by 5 submitters); PubMed 33095980 (cited by 4 submitters); PubMed 24498627 (cited by 5 submitters); PubMed 31858762 (cited by Victorian Clinical Genetics Services, Murdoch Childrens Research Institute).